The following is an entry in ClinVar:

NM_014915.3(ANKRD26):c.2428G>A (p.Glu810Lys)

Gene: ANKRD26 (ankyrin repeat domain 26; minus strand). Cytogenetic location: 10p12.1.
Variant type: single nucleotide variant.
Coding change: c.2428G>A on transcript NM_014915.3 (MANE Select); coding-DNA position 2428, G replaced by A.
Protein change: p.Glu810Lys; replaces glutamic acid 810 with lysine.
Molecular consequence: missense variant.
Genome position (GRCh38, 1-based): chr10:27,038,002, C>T on the plus strand (G>A on the coding strand, the complement: ANKRD26 is on the minus strand). VCF-style: chr10-27038002-C-T. GRCh37 (hg19) VCF-style: chr10-27326931-C-T.
Other names: c.2425G>A, p.Glu809Lys (NM_001256053.2); short protein forms E809K, E810K.
Identifiers: ClinVar variation 4578879 (VCV004578879.1).

ClinVar aggregate classification (germline): Uncertain significance (1 of 4 stars; one submission).

Conditions:
Inborn genetic diseases. Identifiers: MedGen C0950123, MeSH D030342.

gnomAD v4.1: 5 of 1,612,234 alleles (0.00031%); highest among the groups gnomAD compares: Admixed American, 0.0083%; no homozygotes.

Submission:

Ambry Genetics
Classification: Uncertain significance for Inborn genetic diseases. Last evaluated: 2025-09-21. Review status: criteria provided, single submitter. Criteria: Ambry Variant Classification Scheme 2023. Collection method: clinical testing. Allele origin: germline.
Comment: The p.E810K variant (also known as c.2428G>A), located in coding exon 22 of the ANKRD26 gene, results from a G to A substitution at nucleotide position 2428. The glutamic acid at codon 810 is replaced by lysine, an amino acid with similar properties. This amino acid position is conserved. In addition, this alteration is predicted to be tolerated by in silico analysis. Based on the available evidence, the clinical significance of this variant remains unclear.